The following is an entry in ClinVar:

NM_012200.4(B3GAT3):c.283C>T (p.Arg95Ter)

Gene: B3GAT3 (beta-1,3-glucuronyltransferase 3; minus strand). Cytogenetic location: 11q12.3.
Variant type: single nucleotide variant.
Coding change: c.283C>T on transcript NM_012200.4 (MANE Select); coding-DNA position 283, C replaced by T.
Protein change: p.Arg95Ter; replaces arginine 95 with a stop codon.
Molecular consequence: nonsense. On other transcripts: non-coding transcript variant (1).
Genome position (GRCh38, 1-based): chr11:62,617,322, G>A on the plus strand (C>T on the coding strand, the complement: B3GAT3 is on the minus strand). VCF-style: chr11-62617322-G-A. GRCh37 (hg19) VCF-style: chr11-62384794-G-A.
Other names: c.283C>T (NM_012200.3); c.262C>T, p.Arg88Ter (NM_001288721.2); c.283C>T, p.Arg95Ter (NM_001288722.2, NM_001288723.2); short protein forms R88*, R95*.
Identifiers: ClinVar variation 1455919 (VCV001455919.8), dbSNP rs750685646, ClinGen allele CA6050147.

ClinVar aggregate classification (germline): Pathogenic/Likely pathogenic. Review status: criteria provided, multiple submitters, no conflicts (2 of 4 stars). 3 submissions from 3 submitters: Pathogenic (1); Likely pathogenic (2). Last evaluated 2024-02-26.

Conditions:
Larsen-like syndrome, B3GAT3 type. Also called: Multiple joint dislocations, short stature, craniofacial dysmorphism, with or without congenital heart defects; MULTIPLE JOINT DISLOCATIONS, SHORT STATURE, AND CRANIOFACIAL DYSMORPHISM WITH OR WITHOUT CONGENITAL HEART DEFECTS. Identifiers: Orphanet 284139, MedGen CN034159, MONDO:0009511, OMIM 245600.

Allele frequency attached by ClinVar (database versions not stated): ExAC 0.00002.
gnomAD v4.1: 6 of 1,612,920 alleles (0.00037%); highest among the groups gnomAD compares: South Asian, 0.0044%; no homozygotes.

Submissions (3):

Labcorp Genetics (formerly Invitae), Labcorp
Classification: Pathogenic for Larsen-like syndrome, B3GAT3 type. Last evaluated: 2024-02-26. Review status: criteria provided, single submitter. Criteria: Invitae Variant Classification Sherloc (09022015). Collection method: clinical testing. Allele origin: germline.
Comment: This sequence change creates a premature translational stop signal (p.Arg95*) in the B3GAT3 gene. It is expected to result in an absent or disrupted protein product. Loss-of-function variants in B3GAT3 are known to be pathogenic (PMID: 25893793, 27871226). This variant is present in population databases (rs750685646, gnomAD 0.01%). This variant has not been reported in the literature in individuals affected with B3GAT3-related conditions. ClinVar contains an entry for this variant (Variation ID: 1455919). For these reasons, this variant has been classified as Pathogenic.

Pittsburgh Clinical Genomics Laboratory, University of Pittsburgh Medical Center
Classification: Likely pathogenic for Larsen-like syndrome, B3GAT3 type. Last evaluated: 2023-09-08. Review status: criteria provided, single submitter. Criteria: ACMG Guidelines, 2015. Collection method: clinical testing. Allele origin: germline. Inheritance: Autosomal recessive inheritance. Affected: yes.
Comment: This sequence variant is a single nucleotide substitution (C>T) at position 283 of the coding sequence of the B3GAT3 gene that changes the Arg95 codon to an early termition codon. This variant is predicted to generate a non-functiol allele through either the expression of a truncated protein or a loss of beta-1,3-glucuronyltransferase 3 expression due to nonsense mediated decay. This is a previously reported variant (ClinVar 1455919) that has not been observed in individuals affected by a B3GAT3-related disorder in the published literature, to our knowledge. This variant is present in 3 of 244846 alleles (0.0012%) in the gnomAD population dataset. Studies examining the functiol consequences of this variant have not been published, to our knowledge. However, haploinsufficiency in B3GAT3 is a known mechanism of disease (PMID: 27871226, 34537402). Based upon the evidence, we consider this a likely pathogenic variant. ACMG Criteria: PM2, PVS1

GeneDx
Classification: Likely pathogenic. Last evaluated: 2023-06-06. Review status: criteria provided, single submitter. Criteria: GeneDx Variant Classification Process June 2021. Collection method: clinical testing. Allele origin: germline.
Comment: Nonsense variant predicted to result in protein truncation or nonsense mediated decay in a gene for which loss of function is a known mechanism of disease; Not observed at significant frequency in large population cohorts (gnomAD); Has not been previously published as pathogenic or benign to our knowledge

Literature cited by the submitters: PubMed 25893793 (cited by Labcorp Genetics (formerly Invitae), Labcorp); PubMed 27871226 (cited by Labcorp Genetics (formerly Invitae), Labcorp and Pittsburgh Clinical Genomics Laboratory, University of Pittsburgh Medical Center); PubMed 34537402 (cited by Pittsburgh Clinical Genomics Laboratory, University of Pittsburgh Medical Center).